The following is an entry in ClinVar:

NM_001330360.2(POLA1):c.547C>G (p.Pro183Ala)

Gene: POLA1 (DNA polymerase alpha 1, catalytic subunit; plus strand). Cytogenetic location: Xp22.11.
Variant type: single nucleotide variant.
Coding change: c.547C>G on transcript NM_001330360.2 (MANE Select); coding-DNA position 547, C replaced by G.
Protein change: p.Pro183Ala; replaces proline 183 with alanine.
Molecular consequence: missense variant. On other transcripts: non-coding transcript variant (2).
Genome position (GRCh38, 1-based): chrX:24,716,383, C>G. VCF-style: chrX-24716383-C-G. GRCh37 (hg19) VCF-style: chrX-24734500-C-G.
Other names: c.547C>G, p.Pro183Ala (NM_001378303.1, NM_001440806.1); c.529C>G, p.Pro177Ala (NM_016937.4); short protein forms P177A, P183A.
Identifiers: ClinVar variation 4538711 (VCV004538711.1).

ClinVar aggregate classification (germline): Uncertain significance (1 of 4 stars; one submission).

Submission:

GeneDx
Classification: Uncertain significance. Last evaluated: 2025-06-16. Review status: criteria provided, single submitter. Criteria: GeneDx Variant Classification Process June 2021. Collection method: clinical testing. Allele origin: germline. Affected: yes.
Comment: Not observed at significant frequency in large population cohorts (gnomAD); In silico analysis supports that this missense variant has a deleterious effect on protein structure/function; Has not been previously published as pathogenic or benign to our knowledge